The following is an entry in ClinVar:

NM_006563.5(KLF1):c.544T>C (p.Phe182Leu)

Genes: KLF1 (KLF transcription factor 1; minus strand), LOC130063673 (ATAC-STARR-seq lymphoblastoid silent region 10180; plus strand). Cytogenetic location: 19p13.13.
Variant type: single nucleotide variant.
Coding change: c.544T>C on transcript NM_006563.5 (MANE Select); coding-DNA position 544, T replaced by C.
Protein change: p.Phe182Leu; replaces phenylalanine 182 with leucine.
Molecular consequence: missense variant.
Genome position (GRCh38, 1-based): chr19:12,885,686, A>G on the plus strand (T>C on the coding strand, the complement: KLF1 is on the minus strand). VCF-style: chr19-12885686-A-G. GRCh37 (hg19) VCF-style: chr19-12996500-A-G.
Other names: short protein forms F182L.
Identifiers: ClinVar variation 328316 (VCV000328316.17), dbSNP rs2072596, ClinGen allele CA9234043.

ClinVar aggregate classification (germline): Benign/Likely benign. Review status: criteria provided, multiple submitters, no conflicts (2 of 4 stars). 5 submissions from 5 submitters: Benign (4); Likely benign (1). Last evaluated 2026-02-04.

Conditions:
Anemia, congenital dyserythropoietic, type IVa. Also called: Congenital dyserythropoietic anemia type 4; Congenital dyserythropoietic anemia, type IV; CDA, TYPE IVa. Identifiers: Orphanet 293825, MedGen C3150926, MONDO:0013355, OMIM 613673.

Allele frequency attached by ClinVar (database versions not stated): ExAC 0.03569; gnomAD exomes 0.03577 and 0.03111; gnomAD 0.04449 and 0.04509; TOPMed 0.04678; 1000 Genomes Project 0.04952; 1000 Genomes Project 30x 0.05231; ESP Exome Variant Server 0.02402.
gnomAD v4.1: 56,246 of 1,534,176 alleles (3.7%); highest among the groups gnomAD compares: African/African-American, 7.5%; 1,171 homozygotes.

Submissions (5):

Labcorp Genetics (formerly Invitae), Labcorp
Classification: Benign. Last evaluated: 2026-02-04. Review status: criteria provided, single submitter. Criteria: Invitae Variant Classification Sherloc (09022015). Collection method: clinical testing. Allele origin: germline.

Mayo Clinic Laboratories, Mayo Clinic
Classification: Likely benign. Last evaluated: 2025-07-29. Review status: criteria provided, single submitter. Criteria: ACMG Guidelines, 2015. Collection method: clinical testing. Allele origin: germline. Observed: 145 variant alleles.
Comment: BA1, BP4

GeneDx
Classification: Benign. Last evaluated: 2021-06-10. Review status: criteria provided, single submitter. Criteria: GeneDx Variant Classification Process June 2021. Collection method: clinical testing. Allele origin: germline. Affected: yes.
Comment: This variant is associated with the following publications: (PMID: 25583416)

Illumina Laboratory Services, Illumina
Classification: Benign for Anemia, congenital dyserythropoietic, type IVa. Last evaluated: 2018-01-12. Review status: criteria provided, single submitter. Criteria: ICSL Variant Classification Criteria 13 December 2019. Collection method: clinical testing. Allele origin: germline.
Comment: This variant was observed in the ICSL laboratory as part of a predisposition screen in an ostensibly healthy population. It had not been previously curated by ICSL or reported in the Human Gene Mutation Database (HGMD: prior to June 1st, 2018), and was therefore a candidate for classification through an automated scoring system. Utilizing variant allele frequency, disease prevalence and penetrance estimates, and inheritance mode, an automated score was calculated to assess if this variant is too frequent to cause the disease. Based on the score and internal cut-off values, a variant classified as benign is not then subjected to further curation. The score for this variant resulted in a classification of benign for this disease.

Breakthrough Genomics
Classification: Benign. Review status: criteria provided, single submitter. Criteria: ACMG Guidelines, 2015. Collection method: not provided. Allele origin: germline. Inheritance: Autosomal dominant inheritance. Affected: yes.